The following is an entry in ClinVar:

NM_014727.3(KMT2B):c.6198C>T (p.Asp2066=)

Gene: KMT2B (lysine methyltransferase 2B; plus strand). Cytogenetic location: 19q13.12.
Variant type: single nucleotide variant.
Coding change: c.6198C>T on transcript NM_014727.3 (MANE Select); coding-DNA position 6198, C replaced by T.
Protein change: p.Asp2066=; no amino-acid change (aspartic acid 2066 retained).
Molecular consequence: synonymous variant.
Genome position (GRCh38, 1-based): chr19:35,732,747, C>T. VCF-style: chr19-35732747-C-T. GRCh37 (hg19) VCF-style: chr19-36223648-C-T.
Identifiers: ClinVar variation 2195533 (VCV002195533.29), dbSNP rs199751073, ClinGen allele CA9385632.

ClinVar aggregate classification (germline): Benign/Likely benign. Review status: criteria provided, multiple submitters, no conflicts (2 of 4 stars). 3 submissions from 3 submitters: Benign (1); Likely benign (2). Last evaluated 2025-10-11.

Allele frequency attached by ClinVar (database versions not stated): TOPMed 0.00009; gnomAD 0.00015; ExAC 0.00019.

Submissions (3):

Labcorp Genetics (formerly Invitae), Labcorp
Classification: Benign. Last evaluated: 2025-10-11. Review status: criteria provided, single submitter. Criteria: Invitae Variant Classification Sherloc (09022015). Collection method: clinical testing. Allele origin: germline.

Blueprint Genetics
Classification: Likely benign. Last evaluated: 2024-11-15. Review status: criteria provided, single submitter. Criteria: ACMG Guidelines, 2015. Collection method: clinical testing. Allele origin: germline.

CeGaT Center for Human Genetics Tuebingen
Classification: Likely benign. Last evaluated: 2022-11-01. Review status: criteria provided, single submitter. Criteria: CeGaT Center For Human Genetics Tuebingen Variant Classification Criteria Version 2. Collection method: clinical testing. Allele origin: germline. Affected: yes. Observed: 2 variant alleles.
Comment: KMT2B: BP4, BP7